The following is an entry in ClinVar:

NM_000159.4(GCDH):c.304G>C (p.Glu102Gln)

Gene: GCDH (glutaryl-CoA dehydrogenase; plus strand). Cytogenetic location: 19p13.13.
Variant type: single nucleotide variant.
Coding change: c.304G>C on transcript NM_000159.4 (MANE Select); coding-DNA position 304, G replaced by C.
Protein change: p.Glu102Gln; replaces glutamic acid 102 with glutamine.
Molecular consequence: missense variant. On other transcripts: non-coding transcript variant (1).
Genome position (GRCh38, 1-based): chr19:12,892,148, G>C. VCF-style: chr19-12892148-G-C. GRCh37 (hg19) VCF-style: chr19-13002962-G-C.
Other names: c.304G>C, p.Glu102Gln (NM_013976.5); short protein forms E102Q.
Identifiers: ClinVar variation 2139480 (VCV002139480.2), dbSNP rs976647697, ClinGen allele CA305500210.
Genomic context (GRCh38, chr19:12,892,148, plus strand): 5'-CTGAATTTGGGCACTGGTCCCTTTGCAGTTTTTCATCGGGAGATCATTTCGGAGATGGGG[G>C]AGTTGGGTGTGCTGGGCCCCACCATCAAAGGTAGGAACAAGTATCTCTCCACACACTGCA-3'
Protein context (NP_000150.1, residues 92-112): FHREIISEMG[Glu102Gln]LGVLGPTIKG

ClinVar aggregate classification (germline): Uncertain significance (1 of 4 stars; one submission).

Conditions:
Glutaric aciduria, type 1. Also called: GA I; Glutaricacidemia Type 1; Glutaric acidemia type I; Glutaryl-CoA dehydrogenase deficiency; Glutaricaciduria, type I; Glutaric Acidemia Type 1. Identifiers: Orphanet 25, MedGen C0268595, MONDO:0009281, OMIM 231670.

Submission:

Labcorp Genetics (formerly Invitae), Labcorp
Classification: Uncertain significance for Glutaric aciduria, type 1. Last evaluated: 2022-10-06. Review status: criteria provided, single submitter. Criteria: Invitae Variant Classification Sherloc (09022015). Collection method: clinical testing. Allele origin: germline.
Comment: In summary, the available evidence is currently insufficient to determine the role of this variant in disease. Therefore, it has been classified as a Variant of Uncertain Significance. Advanced modeling of protein sequence and biophysical properties (such as structural, functional, and spatial information, amino acid conservation, physicochemical variation, residue mobility, and thermodynamic stability) performed at Invitae indicates that this missense variant is not expected to disrupt GCDH protein function. This variant has not been reported in the literature in individuals affected with GCDH-related conditions. This variant is not present in population databases (gnomAD no frequency). This sequence change replaces glutamic acid, which is acidic and polar, with glutamine, which is neutral and polar, at codon 102 of the GCDH protein (p.Glu102Gln).